The following is an entry in ClinVar:

ClinVar aggregate classification (germline): Likely benign. Review status: criteria provided, single submitter (1 of 4 stars). 3 submissions from 1 submitter: Likely benign (3). Last evaluated 2018-01-12.

Conditions:
Rabson-Mendenhall syndrome. Also called: MENDENHALL SYNDROME; Pineal Hyperplasia, Insulin-Resistant Diabetes Mellitus, and Somatic Abnormalities; Pineal hyperplasia AND diabetes mellitus syndrome. Identifiers: Orphanet 769, MedGen C0271695, MONDO:0009874, OMIM 262190.
Leprechaunism syndrome. Also called: Donohue syndrome; LEPRECHAUNISM. Identifiers: Orphanet 508, MedGen C0265344, MONDO:0009517, OMIM 246200.
Insulin-resistant diabetes mellitus AND acanthosis nigricans. Also called: Insulin-resistance syndrome type A; INSULIN RECEPTOR, DEFECT IN, WITH INSULIN-RESISTANT DIABETES MELLITUS AND ACANTHOSIS NIGRICANS; IRAN, TYPE A; type A insulin resistance; DIABETES MELLITUS, INSULIN-RESISTANT, WITH ACANTHOSIS NIGRICANS, TYPE A. Identifiers: Orphanet 2297, MedGen C0342278, MONDO:0012520, OMIM 610549.

Allele frequency attached by ClinVar (database versions not stated): TOPMed 0.00008; gnomAD 0.00011 and 0.00027; 1000 Genomes Project 30x 0.00094; 1000 Genomes Project 0.00200.

Submissions (3):

Illumina Laboratory Services, Illumina
Classification: Likely benign for Leprechaunism syndrome. Last evaluated: 2018-01-12. Review status: criteria provided, single submitter. Criteria: ICSL Variant Classification Criteria 13 December 2019. Collection method: clinical testing. Allele origin: germline.
Comment: This variant was observed in the ICSL laboratory as part of a predisposition screen in an ostensibly healthy population. It had not been previously curated by ICSL or reported in the Human Gene Mutation Database (HGMD: prior to June 1st, 2018), and was therefore a candidate for classification through an automated scoring system. Utilizing variant allele frequency, disease prevalence and penetrance estimates, and inheritance mode, an automated score was calculated to assess if this variant is too frequent to cause the disease. Based on the score and internal cut-off values, a variant classified as likely benign is not then subjected to further curation. The score for this variant resulted in a classification of likely benign for this disease.

Illumina Laboratory Services, Illumina
Classification: Likely benign for Rabson-Mendenhall syndrome. Last evaluated: 2018-01-12. Review status: criteria provided, single submitter. Criteria: ICSL Variant Classification Criteria 13 December 2019. Collection method: clinical testing. Allele origin: germline.
Comment: the same text as in the submission from Illumina Laboratory Services, Illumina above.

Illumina Laboratory Services, Illumina
Classification: Likely benign for Insulin-resistant diabetes mellitus AND acanthosis nigricans. Last evaluated: 2018-01-12. Review status: criteria provided, single submitter. Criteria: ICSL Variant Classification Criteria 13 December 2019. Collection method: clinical testing. Allele origin: germline.
Comment: the same text as in the submission from Illumina Laboratory Services, Illumina above.

NM_000208.4(INSR):c.*1192G>A

Gene: INSR (insulin receptor; minus strand). Cytogenetic location: 19p13.2.
Variant type: single nucleotide variant.
Coding change: c.*1192G>A on transcript NM_000208.4 (MANE Select); 1192 bases downstream of the stop codon, G replaced by A.
Molecular consequence: 3 prime UTR variant.
Genome position (GRCh38, 1-based): chr19:7,115,864, C>T on the plus strand (G>A on the coding strand, the complement: INSR is on the minus strand). VCF-style: chr19-7115864-C-T. GRCh37 (hg19) VCF-style: chr19-7115875-C-T.
Other names: c.*1192G>A (NM_001079817.3).
Identifiers: ClinVar variation 330407 (VCV000330407.5), dbSNP rs142596192, ClinGen allele CA10649220.